The following is an entry in ClinVar:

ClinVar aggregate classification (germline): Uncertain significance (1 of 4 stars; one submission).

Allele frequency attached by ClinVar (database versions not stated): ExAC 0.00001; gnomAD exomes 0.00001 and 0.00002; gnomAD 0.00002 and 0.00003; TOPMed 0.00002; 1000 Genomes Project 30x 0.00016; 1000 Genomes Project 0.00020.
gnomAD v4.1: 17 of 1,614,192 alleles (0.0011%); highest among the groups gnomAD compares: Middle Eastern, 0.016%; no homozygotes.

Submission:

Labcorp Genetics (formerly Invitae), Labcorp
Classification: Uncertain significance. Last evaluated: 2021-11-20. Review status: criteria provided, single submitter. Criteria: Invitae Variant Classification Sherloc (09022015). Collection method: clinical testing. Allele origin: germline.
Comment: This sequence change replaces valine, which is neutral and non-polar, with methionine, which is neutral and non-polar, at codon 272 of the WARS2 protein (p.Val272Met). This variant is present in population databases (rs553905810, gnomAD 0.01%). This variant has not been reported in the literature in individuals affected with WARS2-related conditions. Algorithms developed to predict the effect of missense changes on protein structure and function are either unavailable or do not agree on the potential impact of this missense change (SIFT: "Deleterious"; PolyPhen-2: "Probably Damaging"; Align-GVGD: "Class C0"). In summary, the available evidence is currently insufficient to determine the role of this variant in disease. Therefore, it has been classified as a Variant of Uncertain Significance.

NM_015836.4(WARS2):c.814G>A (p.Val272Met)

Gene: WARS2 (tryptophanyl tRNA synthetase 2, mitochondrial; minus strand). Cytogenetic location: 1p12.
Variant type: single nucleotide variant.
Coding change: c.814G>A on transcript NM_015836.4 (MANE Select); coding-DNA position 814, G replaced by A.
Protein change: p.Val272Met; replaces valine 272 with methionine.
Molecular consequence: missense variant. On other transcripts: 3 prime UTR variant (2).
Genome position (GRCh38, 1-based): chr1:119,033,180, C>T on the plus strand (G>A on the coding strand, the complement: WARS2 is on the minus strand). VCF-style: chr1-119033180-C-T. GRCh37 (hg19) VCF-style: chr1-119575803-C-T.
Other names: c.745G>A, p.Val249Met (NM_001378226.1, NM_001378227.1); c.643G>A, p.Val215Met (NM_001378228.1); c.556G>A, p.Val186Met (NM_001378229.1); c.532G>A, p.Val178Met (NM_001378230.1); c.*149G>A (NM_001378231.1); c.*180G>A (NM_201263.2); short protein forms V178M, V249M, V186M, V215M, V272M.
Identifiers: ClinVar variation 1500367 (VCV001500367.3), dbSNP rs553905810, ClinGen allele CA1035211.